The following is an entry in ClinVar:

ClinVar aggregate classification (germline): Pathogenic (1 of 4 stars; one submission).

Submission:

Medical Genetic Center, Changzhi Maternal and Child Health Care Hospital
Classification: Pathogenic. Last evaluated: 2025-12-10. Review status: criteria provided, single submitter. Criteria: ACMG/ClinGen CNV Guidelines, 2019. Collection method: clinical testing. Allele origin: unknown.
Comment: 2A:15q11.2 recurrent region (BP1-BP2) (includes NIPA1)

GRCh38/hg38 15q11.2(chr15:22582283-23102621)x3

Genes: CYFIP1 (cytoplasmic FMR1 interacting protein 1; minus strand), NIPA1 (NIPA magnesium transporter 1; plus strand), NIPA2 (NIPA magnesium transporter 2; plus strand), TUBGCP5 (tubulin gamma complex component 5; minus strand), LOC112272575 (Sharpr-MPRA regulatory region 8478; plus strand) and 15 more. Cytogenetic location: 15q11.2.
Variant type: copy number gain.
Change: copy number 3 (three copies instead of two) of chr15:22,582,283-23,102,621 (520.3 kb, GRCh38 coordinates, 1-based), cytogenetic band 15q11.2.
Identifiers: ClinVar variation 4796388 (VCV004796388.1).